The following is an entry in ClinVar:

NC_000017.11:g.3660238_3660245del

Gene: CTNS (cystinosin, lysosomal cystine transporter; plus strand). Cytogenetic location: 17p13.2.
Variant type: Deletion.
Genome position: GRCh38 VCF-style: chr17-3660234-AGACCAGTG-A. GRCh37 (hg19) VCF-style: chr17-3563528-AGACCAGTG-A.
Identifiers: ClinVar variation 2017872 (VCV002017872.5), dbSNP rs2507793620, ClinGen allele CA2580093573.

ClinVar aggregate classification (germline): Pathogenic (1 of 4 stars; one submission).

Conditions:
Inborn genetic diseases. Identifiers: MedGen C0950123, MeSH D030342.
Juvenile nephropathic cystinosis. Also called: Intermediate Cystinosis; CYSTINOSIS, LATE-ONSET JUVENILE OR ADOLESCENT NEPHROPATHIC TYPE; Later-Onset (Juvenile) Cystinosis. Identifiers: Orphanet 213, Orphanet 411634, MedGen C0268626, MONDO:0009066, OMIM 219900.
Ocular cystinosis. Also called: Non-Nephropathic Cystinosis; Non-Nephropathic (Ocular) Cystinosis. Identifiers: Orphanet 213, Orphanet 411641, MedGen C2931013, MONDO:0009064, OMIM 219750.

Submission:

Labcorp Genetics (formerly Invitae), Labcorp
Classification: Pathogenic for Inborn genetic diseases; Ocular cystinosis; Juvenile nephropathic cystinosis. Last evaluated: 2022-07-17. Review status: criteria provided, single submitter. Criteria: Invitae Variant Classification Sherloc (09022015). Collection method: clinical testing. Allele origin: germline.
Comment: Algorithms developed to predict the effect of sequence changes on RNA splicing suggest that this variant may disrupt the consensus splice site. For these reasons, this variant has been classified as Pathogenic. This variant disrupts a region of the CTNS protein in which other variant(s) (p.Gly339Arg) have been determined to be pathogenic (PMID: 11565547, 12204010, 12825071, 21786142, 23640116). This suggests that this is a clinically significant region of the protein, and that variants that disrupt it are likely to be disease-causing. This variant has not been reported in the literature in individuals affected with CTNS-related conditions. This variant is not present in population databases (gnomAD no frequency). This sequence change creates a premature translational stop signal (p.Gln325Alafs*37) in the CTNS gene. While this is not anticipated to result in nonsense mediated decay, it is expected to disrupt the last 43 amino acid(s) of the CTNS protein.

Literature cited by the submitters: PubMed 11565547; PubMed 12204010; PubMed 12825071; PubMed 21786142; PubMed 23640116.